The following is an entry in ClinVar:

ClinVar aggregate classification (germline): Conflicting classifications of pathogenicity. Review status: criteria provided, conflicting classifications (1 of 4 stars). 3 submissions from 3 submitters: Uncertain significance (1); Likely benign (2). Last evaluated 2026-02-10.

Conditions:
MYO7A-related disorder. Also called: MYO7A-related disorders.

Allele frequency attached by ClinVar (database versions not stated): gnomAD exomes 0.00002; TOPMed 0.00003; gnomAD 0.00004 and 0.00005; ExAC 0.00008.
gnomAD v4.1: 30 of 1,571,016 alleles (0.0019%); highest among the groups gnomAD compares: East Asian, 0.0094%; no homozygotes.

Submissions (3):

PreventionGenetics, part of Exact Sciences
Classification: Likely benign for MYO7A-related condition. Last evaluated: 2026-02-10. Review status: criteria provided, single submitter. Criteria: ACMG Guidelines, 2015. Collection method: clinical testing. Allele origin: germline.
Comment: This variant is classified as likely benign based on ACMG/AMP sequence variant interpretation guidelines (Richards et al. 2015 PMID: 25741868, with internal and published modifications).

Labcorp Genetics (formerly Invitae), Labcorp
Classification: Likely benign. Last evaluated: 2025-07-16. Review status: criteria provided, single submitter. Criteria: Invitae Variant Classification Sherloc (09022015). Collection method: clinical testing. Allele origin: germline.

Eurofins Ntd Llc (ga)
Classification: Uncertain significance. Last evaluated: 2014-04-03. Review status: criteria provided, single submitter. Criteria: EGL Classification Definitions 2015. Collection method: clinical testing. Allele origin: germline. Observed: 1 variant allele, 1 heterozygote.

NM_000260.4(MYO7A):c.3729G>A (p.Pro1243=)

Gene: MYO7A (myosin VIIA; plus strand). Cytogenetic location: 11q13.5.
Variant type: single nucleotide variant.
Coding change: c.3729G>A on transcript NM_000260.4 (MANE Select); coding-DNA position 3729, G replaced by A.
Protein change: p.Pro1243=; no amino-acid change (proline 1243 retained).
Molecular consequence: synonymous variant.
Genome position (GRCh38, 1-based): chr11:77,190,118, G>A. VCF-style: chr11-77190118-G-A. GRCh37 (hg19) VCF-style: chr11-76901163-G-A.
Other names: c.3729G>A, p.Pro1243= (NM_001127180.2); c.3696G>A, p.Pro1232= (NM_001369365.1).
Identifiers: ClinVar variation 167313 (VCV000167313.17), dbSNP rs727504023, ClinGen allele CA234292.
Genomic context (GRCh38, chr11:77,190,118, plus strand): 5'-CGCCCCGTACTGTGAGGAGCGCCTGAGAAGGACCTTTGTCAATGGGACACGGACACAGCC[G>A]CCCAGCTGGCTGGAGCTGCAGGTTCGTGCGTGTGTATGCACGTGCTCGTGTGCATGTGTG-3'
Protein context (NP_000251.3, residues 1233-1253): RTFVNGTRTQ[Pro1243=]PSWLELQATK